The following continues an entry in ClinVar:

NM_000059.4(BRCA2):c.8167G>C (p.Asp2723His)

Gene: BRCA2. ClinVar aggregate classification (germline): Pathogenic. Pathogenic (1).

Submissions 36 to 38 of 38:

Department of Pathology and Laboratory Medicine, Sinai Health System
Classification: Pathogenic for Malignant tumor of breast. Review status: no assertion criteria provided. Collection method: clinical testing. Allele origin: unknown. Affected: yes. Observed: 5 variant alleles. Study: The Canadian Open Genetics Repository (COGR). Not counted in ClinVar's aggregate classification.
Comment: The p.Asp2723His variant is identified in the literature in 5 out of 554 proband chromosomes (frequency 0.009) in individuals with breast (male and female), ovarian and prostate cancers, however it is not analyzed in enough control chromosomes to determine the population frequency (0 out of 380, frequency=0) (Chenevix-Trench 2006, Mitra 2008, Pages 2001, Ding 2011). Furthermore, It is listed in dbSNP database as coming from a "clinical source" (ID#: rs41293511) with no frequency information available, and therefore, not informative to assess the frequency of this variant in the general population. The p.Asp2723 residue is conserved in mammals and other species and computational analyses (SIFT, Polyphen2, AlignGVGD) predict deleterious impact on the protein function. In addition, in vitro functional studies shows impaired BRCA2 function (Kuzentsov 2008, Wu 2005, Karchin 2008, Walker 2010, Carvalho_2007) and multifactorial likelihood-ratio models shows higher odds in favor of causality for this variant (Goldgar 2004, Farrugia 2008, Chenevix-Trench 2006). In the UMD database, this variant has been identified as an isolated "pathogenous" variant in 19 individuals with breast or ovarian cancers, increasing the likelihood this variant is clinically important. Other variants at the same location include p.Asp2723Gly (5 times in UMD), p.Asp2723Val (2 times in UMD) and p.Asp2723Glu (1 time). The p.Asp2723Gly has been shown to result in loss of the last 164 nucleotides of exon18, and shown to be deleterious by several studies (Farrugia 2008, Easton 2007, Karchin 2008), increasing the likelihood that an alteration to this residue is pathogenic. In summary, based on the above information, this variant is classified as pathogenic.

Diagnostic Laboratory, Department of Genetics, University Medical Center Groningen
Classification: Pathogenic for Breast-ovarian cancer, familial, susceptibility to, 2. Review status: no assertion criteria provided. Collection method: clinical testing. Allele origin: germline. Affected: yes. Study: VKGL Data-share Consensus. Not counted in ClinVar's aggregate classification.

Joint Genome Diagnostic Labs from Nijmegen and Maastricht, Radboudumc and MUMC+
Classification: Pathogenic. Review status: no assertion criteria provided. Collection method: clinical testing. Allele origin: germline. Affected: yes. Study: VKGL Data-share Consensus. Not counted in ClinVar's aggregate classification.

Literature cited by the submitters: PubMed 23108138 (cited by 8 submitters); PubMed 11207042 (cited by 6 submitters); PubMed 15290653 (cited by 7 submitters); PubMed 16489001 (cited by 7 submitters); PubMed 23961350 (cited by 7 submitters); PubMed 24728189 (cited by 7 submitters); PubMed 33609447 (cited by Labcorp Genetics (formerly Invitae), Labcorp); PubMed 15695382 (cited by 7 submitters); PubMed 18607349 (cited by 8 submitters); PubMed 24013206 (cited by 6 submitters); PubMed 25146914 (cited by 5 submitters); PubMed 21990134 (cited by 3 submitters); PubMed 19043619 (cited by 5 submitters); PubMed 23569316 (cited by Color Diagnostics, LLC DBA Color Health and All of Us Research Program, National Institutes of Health); PubMed 24052750 (cited by Color Diagnostics, LLC DBA Color Health and All of Us Research Program, National Institutes of Health); PubMed 29988080 (cited by 3 submitters); PubMed 31853058 (cited by Color Diagnostics, LLC DBA Color Health); PubMed 32444794 (cited by Color Diagnostics, LLC DBA Color Health and Quest Diagnostics Nichols Institute San Juan Capistrano); PubMed 33471991 (cited by Color Diagnostics, LLC DBA Color Health and All of Us Research Program, National Institutes of Health); PubMed 35736817 (cited by Color Diagnostics, LLC DBA Color Health and Quest Diagnostics Nichols Institute San Juan Capistrano); PubMed 39779848 (cited by Color Diagnostics, LLC DBA Color Health and Quest Diagnostics Nichols Institute San Juan Capistrano); PubMed 40413188 (cited by Color Diagnostics, LLC DBA Color Health); PubMed 24323938 (cited by 3 submitters); PubMed 26681312 (cited by Mayo Clinic Laboratories, Mayo Clinic and Quest Diagnostics Nichols Institute San Juan Capistrano); PubMed 29922827 (cited by Mayo Clinic Laboratories, Mayo Clinic); PubMed 30322717 (cited by Mayo Clinic Laboratories, Mayo Clinic and Quest Diagnostics Nichols Institute San Juan Capistrano); PubMed 33964450 (cited by Mayo Clinic Laboratories, Mayo Clinic and Quest Diagnostics Nichols Institute San Juan Capistrano); PubMed 34399810 (cited by Mayo Clinic Laboratories, Mayo Clinic and Quest Diagnostics Nichols Institute San Juan Capistrano); PubMed 35409996 (cited by Mayo Clinic Laboratories, Mayo Clinic); PubMed 18451181 (cited by 5 submitters); PubMed 18951461 (cited by Ambry Genetics); PubMed 21702907 (cited by Ambry Genetics and Quest Diagnostics Nichols Institute San Juan Capistrano); PubMed 25085752 (cited by 3 submitters); PubMed 25782689 (cited by Ambry Genetics and Quest Diagnostics Nichols Institute San Juan Capistrano); PubMed 29394989 (cited by Quest Diagnostics Nichols Institute San Juan Capistrano and Laboratory for Molecular Medicine, Mass General Brigham Personalized Medicine); PubMed 18182994 (cited by Quest Diagnostics Nichols Institute San Juan Capistrano); PubMed 16978908 (cited by Quest Diagnostics Nichols Institute San Juan Capistrano); PubMed 22505045 (cited by Quest Diagnostics Nichols Institute San Juan Capistrano and Counsyl); PubMed 28283652 (cited by Quest Diagnostics Nichols Institute San Juan Capistrano); PubMed 28324225 (cited by Quest Diagnostics Nichols Institute San Juan Capistrano); PubMed 29446198 (cited by Quest Diagnostics Nichols Institute San Juan Capistrano); PubMed 30309722 (cited by Quest Diagnostics Nichols Institute San Juan Capistrano); PubMed 30787465 (cited by Quest Diagnostics Nichols Institute San Juan Capistrano); PubMed 31263054 (cited by Quest Diagnostics Nichols Institute San Juan Capistrano); PubMed 38295319 (cited by Quest Diagnostics Nichols Institute San Juan Capistrano); PubMed 38711401 (cited by Quest Diagnostics Nichols Institute San Juan Capistrano); PubMed 37310942 (cited by Quest Diagnostics Nichols Institute San Juan Capistrano); PubMed 26295337 (cited by Quest Diagnostics Nichols Institute San Juan Capistrano); DOI 10.3389/fgene.2022.834265 (cited by National Health Laboratory Service, Universitas Academic Hospital and University of the Free State); PubMed 28349240 (cited by Laboratory for Molecular Medicine, Mass General Brigham Personalized Medicine); PubMed 18497862 (cited by Women's Health and Genetics/Laboratory Corporation of America, LabCorp); PubMed 22762150 (cited by Counsyl); PubMed 17262179 (cited by Counsyl).